The following is an entry in ClinVar:

ClinVar aggregate classification (germline): Uncertain significance (0 of 4 stars; one submission).

Conditions:
CASK-related disorder. Also called: CASK-related disorders; CASK-related condition.

Submission:

PreventionGenetics, part of Exact Sciences
Classification: Uncertain significance for CASK-related condition. Last evaluated: 2024-05-16. Review status: no assertion criteria provided. Collection method: clinical testing. Allele origin: germline.
Comment: The CASK c.1598G>T variant is predicted to result in the amino acid substitution p.Gly533Val. To our knowledge, this variant has not been reported in the literature or in a large population database, indicating this variant is rare. At this time, the clinical significance of this variant is uncertain due to the absence of conclusive functional and genetic evidence.

NM_001367721.1(CASK):c.1598G>T (p.Gly533Val)

Gene: CASK (calcium/calmodulin dependent serine protein kinase; minus strand). Cytogenetic location: Xp11.4.
Variant type: single nucleotide variant.
Coding change: c.1598G>T on transcript NM_001367721.1 (MANE Select); coding-DNA position 1598, G replaced by T.
Protein change: p.Gly533Val; replaces glycine 533 with valine.
Molecular consequence: missense variant.
Genome position (GRCh38, 1-based): chrX:41,561,629, C>A on the plus strand (G>T on the coding strand, the complement: CASK is on the minus strand). VCF-style: chrX-41561629-C-A. GRCh37 (hg19) VCF-style: chrX-41420882-C-A.
Other names: c.1598G>T, p.Gly533Val (NM_001126054.3, NM_003688.4); c.1580G>T, p.Gly527Val (NM_001126055.3, NM_001410745.1); short protein forms G527V, G533V.
Identifiers: ClinVar variation 3347429 (VCV003347429.1).